The following is an entry in ClinVar:

NM_000051.4(ATM):c.3586A>G (p.Lys1196Glu)

Gene: ATM (ATM serine/threonine kinase; plus strand). Cytogenetic location: 11q22.3.
Variant type: single nucleotide variant.
Coding change: c.3586A>G on transcript NM_000051.4 (MANE Select); coding-DNA position 3586, A replaced by G.
Protein change: p.Lys1196Glu; replaces lysine 1196 with glutamic acid.
Molecular consequence: missense variant.
Genome position (GRCh38, 1-based): chr11:108,282,719, A>G. VCF-style: chr11-108282719-A-G. GRCh37 (hg19) VCF-style: chr11-108153446-A-G.
Other names: c.3586A>G, p.Lys1196Glu (NM_001351834.2); short protein forms K1196E.
Identifiers: ClinVar variation 1475408 (VCV001475408.8), dbSNP rs2135686751, ClinGen allele CA382522522.

ClinVar aggregate classification (germline): Uncertain significance. Review status: criteria provided, multiple submitters, no conflicts (2 of 4 stars). 2 submissions from 2 submitters: Uncertain significance (2). Last evaluated 2024-04-27.

Conditions:
Hereditary cancer-predisposing syndrome. Also called: Hereditary neoplastic syndrome; Tumor predisposition; Neoplastic Syndromes, Hereditary; Hereditary Cancer Syndrome. Identifiers: Orphanet 140162, MedGen C0027672, MeSH D009386, MONDO:0015356.
Ataxia-telangiectasia syndrome (AT). Also called: ATAXIA-TELANGIECTASIA, COMPLEMENTATION GROUP A; ATAXIA-TELANGIECTASIA, FRESNO VARIANT; LOUIS-BAR SYNDROME; Ataxia-telangiectasia; Cerebello-oculocutaneous telangiectasia; Immunodeficiency with ataxia telangiectasia. Identifiers: Orphanet 100, MedGen C0004135, MONDO:0008840, OMIM 208900.

Submissions (2):

Labcorp Genetics (formerly Invitae), Labcorp
Classification: Uncertain significance for Ataxia-telangiectasia syndrome. Last evaluated: 2024-04-27. Review status: criteria provided, single submitter. Criteria: Invitae Variant Classification Sherloc (09022015). Collection method: clinical testing. Allele origin: germline.
Comment: This sequence change replaces lysine, which is basic and polar, with glutamic acid, which is acidic and polar, at codon 1196 of the ATM protein (p.Lys1196Glu). This variant is not present in population databases (gnomAD no frequency). This variant has not been reported in the literature in individuals affected with ATM-related conditions. ClinVar contains an entry for this variant (Variation ID: 1475408). An algorithm developed to predict the effect of missense changes on protein structure and function (PolyPhen-2) suggests that this variant is likely to be tolerated. In summary, the available evidence is currently insufficient to determine the role of this variant in disease. Therefore, it has been classified as a Variant of Uncertain Significance.

Ambry Genetics
Classification: Uncertain significance for Hereditary cancer-predisposing syndrome. Last evaluated: 2022-01-27. Review status: criteria provided, single submitter. Criteria: Ambry Variant Classification Scheme 2023. Collection method: clinical testing. Allele origin: germline.
Comment: The p.K1196E variant (also known as c.3586A>G), located in coding exon 24 of the ATM gene, results from an A to G substitution at nucleotide position 3586. The lysine at codon 1196 is replaced by glutamic acid, an amino acid with similar properties. This amino acid position is conserved. In addition, this alteration is predicted to be tolerated by in silico analysis. Since supporting evidence is limited at this time, the clinical significance of this alteration remains unclear.